The following is an entry in ClinVar:

NM_002900.3(RBP3):c.2493C>A (p.Gly831=)

Gene: RBP3 (retinol binding protein 3; plus strand). Cytogenetic location: 10q11.22.
Variant type: single nucleotide variant.
Coding change: c.2493C>A on transcript NM_002900.3 (MANE Select); coding-DNA position 2493, C replaced by A.
Protein change: p.Gly831=; no amino-acid change (glycine 831 retained).
Molecular consequence: synonymous variant.
Genome position (GRCh38, 1-based): chr10:47,350,977, C>A. VCF-style: chr10-47350977-C-A. GRCh37 (hg19) VCF-style: chr10-48388385-G-T.
Identifiers: ClinVar variation 2640437 (VCV002640437.24), dbSNP rs373731339, ClinGen allele CA206465056.

ClinVar aggregate classification (germline): Likely benign (1 of 4 stars; one submission).

gnomAD v4.1: 2 of 1,612,082 alleles (0.00012%); highest among the groups gnomAD compares: Non-Finnish European, 0.00017%; no homozygotes.

Submission:

CeGaT Center for Human Genetics Tuebingen
Classification: Likely benign. Last evaluated: 2022-08-01. Review status: criteria provided, single submitter. Criteria: CeGaT Center For Human Genetics Tuebingen Variant Classification Criteria Version 2. Collection method: clinical testing. Allele origin: germline. Affected: yes. Observed: 1 variant allele.
Comment: RBP3: PM2:Supporting, BP4, BP7